The following is an entry in ClinVar:

NM_198252.3(GSN):c.631G>C (p.Glu211Gln)

Gene: GSN (gelsolin; plus strand). Cytogenetic location: 9q33.2.
Variant type: single nucleotide variant.
Coding change: c.631G>C on transcript NM_198252.3 (MANE Select); coding-DNA position 631, G replaced by C.
Protein change: p.Glu211Gln; replaces glutamic acid 211 with glutamine.
Molecular consequence: missense variant. On other transcripts: 5 prime UTR variant (1).
Genome position (GRCh38, 1-based): chr9:121,312,456, G>C. VCF-style: chr9-121312456-G-C. GRCh37 (hg19) VCF-style: chr9-124074734-G-C.
Other names: c.784G>C, p.Glu262Gln (NM_000177.5); c.631G>C, p.Glu211Gln (NM_001127662.2, NM_001127664.2, NM_001127665.2 and 10 more transcripts); c.739G>C, p.Glu247Gln (NM_001127663.2); c.664G>C, p.Glu222Gln (NM_001127666.2, NM_001127667.2, NM_001353063.2 and 13 more transcripts); c.682G>C, p.Glu228Gln (NM_001258029.2); c.655G>C, p.Glu219Gln (NM_001258030.2); c.703G>C, p.Glu235Gln (NM_001353076.2); c.-24G>C (NM_001353078.2); short protein forms E219Q, E262Q, E228Q, E235Q, E211Q, E222Q, E247Q.
Identifiers: ClinVar variation 728754 (VCV000728754.35), dbSNP rs369788495, ClinGen allele CA5220955.

ClinVar aggregate classification (germline): Benign. Review status: criteria provided, multiple submitters, no conflicts (2 of 4 stars). 4 submissions from 4 submitters: Benign (4). Last evaluated 2025-12-01.

Conditions:
GSN-related disorder. Also called: GSN-related condition.

Allele frequency attached by ClinVar (database versions not stated): ESP Exome Variant Server 0.00008; gnomAD 0.00008 and 0.00054; TOPMed 0.00015; gnomAD exomes 0.00078 and 0.00162; ExAC 0.00182; 1000 Genomes Project 30x 0.00328; 1000 Genomes Project 0.00379.
gnomAD v4.1: 1,215 of 1,613,988 alleles (0.075%); highest among the groups gnomAD compares: South Asian, 1.2%; 19 homozygotes.

Submissions (4):

Labcorp Genetics (formerly Invitae), Labcorp
Classification: Benign. Last evaluated: 2025-12-01. Review status: criteria provided, single submitter. Criteria: Invitae Variant Classification Sherloc (09022015). Collection method: clinical testing. Allele origin: germline.

CeGaT Center for Human Genetics Tuebingen
Classification: Benign. Last evaluated: 2025-09-01. Review status: criteria provided, single submitter. Criteria: CeGaT Center For Human Genetics Tuebingen Variant Classification Criteria Version 2. Collection method: clinical testing. Allele origin: germline. Affected: yes. Observed: 4 variant alleles.
Comment: GSN: BP4, BS1, BS2

PreventionGenetics, part of Exact Sciences
Classification: Benign for GSN-related condition. Last evaluated: 2025-05-02. Review status: criteria provided, single submitter. Criteria: ACMG Guidelines, 2015. Collection method: clinical testing. Allele origin: germline.
Comment: This variant is classified as benign based on ACMG/AMP sequence variant interpretation guidelines (Richards et al. 2015 PMID: 25741868, with internal and published modifications).

Breakthrough Genomics
Classification: Benign. Review status: criteria provided, single submitter. Criteria: ACMG Guidelines, 2015. Collection method: not provided. Allele origin: germline. Inheritance: Autosomal dominant inheritance. Affected: yes.